The following is an entry in ClinVar:

ClinVar aggregate classification (germline): Uncertain significance (1 of 4 stars; one submission).

Conditions:
Oligosynaptic infertility (SPGF1). Also called: SPERMATOGENIC FAILURE 1; OLIGOCHIASMATIC INFERTILITY. Identifiers: MedGen C0403810, MONDO:0009776, OMIM 258150.
46 XY differences of sex development. Also called: 46, XY disorder of sex development (DSD); 46,XY disorder of sex development. Identifiers: Orphanet 98085, MedGen C2751824, MONDO:0020040.

Allele frequency attached by ClinVar (database versions not stated): TOPMed 0.00001; gnomAD exomes 0.00001.
gnomAD v4.1: 12 of 1,595,460 alleles (0.00075%); highest among the groups gnomAD compares: Non-Finnish European, 0.001%; no homozygotes.

Submission:

Labcorp Genetics (formerly Invitae), Labcorp
Classification: Uncertain significance for 46 XY differences of sex development; Oligosynaptic infertility. Last evaluated: 2022-11-22. Review status: criteria provided, single submitter. Criteria: Invitae Variant Classification Sherloc (09022015). Collection method: clinical testing. Allele origin: germline.
Comment: Advanced modeling of protein sequence and biophysical properties (such as structural, functional, and spatial information, amino acid conservation, physicochemical variation, residue mobility, and thermodynamic stability) performed at Invitae indicates that this missense variant is not expected to disrupt NR5A1 protein function. In summary, the available evidence is currently insufficient to determine the role of this variant in disease. Therefore, it has been classified as a Variant of Uncertain Significance. This missense change has been observed in individual(s) with primary ovarian insufficiency (PMID: 30406445, 34095689). This variant is not present in population databases (gnomAD no frequency). This sequence change replaces arginine, which is basic and polar, with tryptophan, which is neutral and slightly polar, at codon 365 of the NR5A1 protein (p.Arg365Trp).

Literature cited by the submitters: PubMed 30406445; PubMed 34095689.

NM_004959.5(NR5A1):c.1093C>T (p.Arg365Trp)

Gene: NR5A1 (nuclear receptor subfamily 5 group A member 1; minus strand). Cytogenetic location: 9q33.3.
Variant type: single nucleotide variant.
Coding change: c.1093C>T on transcript NM_004959.5 (MANE Select); coding-DNA position 1093, C replaced by T.
Protein change: p.Arg365Trp; replaces arginine 365 with tryptophan.
Molecular consequence: missense variant.
Genome position (GRCh38, 1-based): chr9:124,491,126, G>A on the plus strand (C>T on the coding strand, the complement: NR5A1 is on the minus strand). VCF-style: chr9-124491126-G-A. GRCh37 (hg19) VCF-style: chr9-127253405-G-A.
Other names: short protein forms R365W.
Identifiers: ClinVar variation 2159478 (VCV002159478.4), dbSNP rs1564149534, ClinGen allele CA374880576.
Genomic context (GRCh38, chr9:124,491,126, plus strand): 5'-TGGAGCTGCACTCACCCAGGCTGAAGAGGATGATGAACTTGAGGCAGACAAACTCCTGCC[G>A]GTCCAGCTGCAGCGCAAGCAGCTGCAGCACCAGCTCCTGCGCCCGCAACACCAGGCTGTG-3'
Protein context (NP_004950.2, residues 355-375): VLQLLALQLD[Arg365Trp]QEFVCLKFII